The following is an entry in ClinVar:

NM_006662.3(SRCAP):c.8108C>T (p.Thr2703Ile)

Gene: SRCAP (Snf2 related CREBBP activator protein; plus strand). Cytogenetic location: 16p11.2.
Variant type: single nucleotide variant.
Coding change: c.8108C>T on transcript NM_006662.3 (MANE Select); coding-DNA position 8108, C replaced by T.
Protein change: p.Thr2703Ile; replaces threonine 2703 with isoleucine.
Molecular consequence: missense variant.
Genome position (GRCh38, 1-based): chr16:30,738,148, C>T. VCF-style: chr16-30738148-C-T. GRCh37 (hg19) VCF-style: chr16-30749469-C-T.
Other names: c.8108C>T (NM_006662.2); short protein forms T2703I.
Identifiers: ClinVar variation 2877273 (VCV002877273.4), dbSNP rs2506730291, ClinGen allele CA395636025.

ClinVar aggregate classification (germline): Uncertain significance. Review status: criteria provided, multiple submitters, no conflicts (2 of 4 stars). 2 submissions from 2 submitters: Uncertain significance (2). Last evaluated 2025-08-14.

Conditions:
Inborn genetic diseases. Identifiers: MedGen C0950123, MeSH D030342.

Allele frequency attached by ClinVar (database versions not stated): gnomAD exomes below 0.00001.
gnomAD v4.1: 2 of 1,614,200 alleles (0.00012%); highest among the groups gnomAD compares: Non-Finnish European, 0.00017%; no homozygotes.

Submissions (2):

Ambry Genetics
Classification: Uncertain significance for Inborn genetic diseases. Last evaluated: 2025-08-14. Review status: criteria provided, single submitter. Criteria: Ambry Variant Classification Scheme 2023. Collection method: clinical testing. Allele origin: germline.

Labcorp Genetics (formerly Invitae), Labcorp
Classification: Uncertain significance. Last evaluated: 2023-02-08. Review status: criteria provided, single submitter. Criteria: Invitae Variant Classification Sherloc (09022015). Collection method: clinical testing. Allele origin: germline.
Comment: This variant is not present in population databases (gnomAD no frequency). This sequence change replaces threonine, which is neutral and polar, with isoleucine, which is neutral and non-polar, at codon 2703 of the SRCAP protein (p.Thr2703Ile). This variant has not been reported in the literature in individuals affected with SRCAP-related conditions. Advanced modeling of protein sequence and biophysical properties (such as structural, functional, and spatial information, amino acid conservation, physicochemical variation, residue mobility, and thermodynamic stability) performed at Invitae indicates that this missense variant is not expected to disrupt SRCAP protein function. In summary, the available evidence is currently insufficient to determine the role of this variant in disease. Therefore, it has been classified as a Variant of Uncertain Significance.